The following is an entry in ClinVar:

ClinVar aggregate classification (germline): Likely benign (1 of 4 stars; one submission).

Conditions:
LEPR-related disorder. Also called: LEPR-related disorders; LEPR-related condition.

gnomAD v4.1: 1 of 1,609,326 alleles (0.000062%); highest among the groups gnomAD compares: Non-Finnish European, 0.000085%; no homozygotes.

Submission:

PreventionGenetics, part of Exact Sciences
Classification: Likely benign for LEPR-related condition. Last evaluated: 2026-08-20. Review status: criteria provided, single submitter. Criteria: ACMG Guidelines, 2015. Collection method: clinical testing. Allele origin: germline.
Comment: This variant is classified as likely benign based on ACMG/AMP sequence variant interpretation guidelines (Richards et al. 2015 PMID: 25741868, with internal and published modifications).

NM_002303.6(LEPR):c.3168A>T (p.Gly1056=)

Gene: LEPR (leptin receptor; plus strand). Cytogenetic location: 1p31.3.
Variant type: single nucleotide variant.
Coding change: c.3168A>T on transcript NM_002303.6 (MANE Select); coding-DNA position 3168, A replaced by T.
Protein change: p.Gly1056=; no amino-acid change (glycine 1056 retained).
Molecular consequence: synonymous variant.
Genome position (GRCh38, 1-based): chr1:65,636,685, A>T. VCF-style: chr1-65636685-A-T. GRCh37 (hg19) VCF-style: chr1-66102368-A-T.
Identifiers: ClinVar variation 4986343 (VCV004986343.1).